The following is an entry in ClinVar:

ClinVar aggregate classification (germline): Uncertain significance (1 of 4 stars; one submission).

Submission:

Labcorp Genetics (formerly Invitae), Labcorp
Classification: Uncertain significance. Last evaluated: 2024-06-17. Review status: criteria provided, single submitter. Criteria: Invitae Variant Classification Sherloc (09022015). Collection method: clinical testing. Allele origin: germline.
Comment: This sequence change replaces leucine, which is neutral and non-polar, with serine, which is neutral and polar, at codon 1245 of the MTOR protein (p.Leu1245Ser). This variant is not present in population databases (gnomAD no frequency). This variant has not been reported in the literature in individuals affected with MTOR-related conditions. ClinVar contains an entry for this variant (Variation ID: 1944632). Advanced modeling of protein sequence and biophysical properties (such as structural, functional, and spatial information, amino acid conservation, physicochemical variation, residue mobility, and thermodynamic stability) performed at Invitae indicates that this missense variant is not expected to disrupt MTOR protein function with a negative predictive value of 95%. In summary, the available evidence is currently insufficient to determine the role of this variant in disease. Therefore, it has been classified as a Variant of Uncertain Significance.

NM_004958.4(MTOR):c.3734T>C (p.Leu1245Ser)

Gene: MTOR (mechanistic target of rapamycin kinase; minus strand). Cytogenetic location: 1p36.22.
Variant type: single nucleotide variant.
Coding change: c.3734T>C on transcript NM_004958.4 (MANE Select); coding-DNA position 3734, T replaced by C.
Protein change: p.Leu1245Ser; replaces leucine 1245 with serine.
Molecular consequence: missense variant.
Genome position (GRCh38, 1-based): chr1:11,209,379, A>G on the plus strand (T>C on the coding strand, the complement: MTOR is on the minus strand). VCF-style: chr1-11209379-A-G. GRCh37 (hg19) VCF-style: chr1-11269436-A-G.
Other names: c.3734T>C, p.Leu1245Ser (NM_001386500.1); c.2486T>C, p.Leu829Ser (NM_001386501.1); short protein forms L1245S, L829S.
Identifiers: ClinVar variation 1944632 (VCV001944632.5), dbSNP rs2523079028, ClinGen allele CA338370577.